The following continues an entry in ClinVar:

NM_000548.5(TSC2):c.5238_5255del (p.His1746_Arg1751del)

Gene: TSC2. ClinVar aggregate classification (germline): Pathogenic/Likely pathogenic. Pathogenic (20); Likely pathogenic (1).

Submissions 11 to 25 of 25:

3billion
Classification: Pathogenic for Tuberous sclerosis 2. Last evaluated: 2022-09-01. Review status: criteria provided, single submitter. Criteria: ACMG Guidelines, 2015. Collection method: clinical testing. Allele origin: germline. Affected: yes. Observed: 1 heterozygote.
Comment: The variant is not observed in the gnomAD v2.1.1 dataset. Inframe deletion located in a nonrepeat region is predicted to change the length of the protein and disrupt normal protein function. Functional studies provide supporting evidence of the variant having a damaging effect on the gene or gene product (PMID: 21309039). The variant has been observed in multiple (>3) similarly affected unrelated individuals (PMID: 10205261, 11112665). The variant has been previously reported as assumed (i.e. paternity and maternity not confirmed) de novo in at least one similarly affected unrelated individual (PMID: 10205261). The variant has been reported at least twice as pathogenic with clinical assertions and evidence for the classification (ClinVar ID: VCV000012402 / PMID: 9829910/ 3billion dataset). Therefore, this variant is classified as Pathogenic according to the recommendation of ACMG/AMP guideline.

Division of Genomic Medicine, Department of Advanced Medicine, Medical Research Institute, Kanazawa Medical University
Classification: Pathogenic for Tuberous sclerosis 2. Last evaluated: 2022-07-17. Review status: criteria provided, single submitter. Criteria: ACMG Guidelines, 2015. Collection method: clinical testing. Allele origin: germline. Affected: yes. Observed: 5 variant alleles.

Medical Genetics Center, Maternal and Child Health Hospital of Hubei Province
Classification: Pathogenic for Tuberous sclerosis 2. Last evaluated: 2022-05-05. Review status: criteria provided, single submitter. Criteria: ACMG Guidelines, 2015. Collection method: clinical testing. Allele origin: de novo. Affected: yes.

CeGaT Center for Human Genetics Tuebingen
Classification: Pathogenic. Last evaluated: 2022-03-01. Review status: criteria provided, single submitter. Criteria: CeGaT Center For Human Genetics Tuebingen Variant Classification Criteria Version 2. Collection method: clinical testing. Allele origin: germline. Affected: yes. Observed: 1 variant allele.
Comment: TSC2: PM6:Strong, PM1, PM2, PM4, PP4, PS4:Supporting

Victorian Clinical Genetics Services, Murdoch Childrens Research Institute
Classification: Pathogenic for Tuberous sclerosis 2. Last evaluated: 2022-02-02. Review status: criteria provided, single submitter. Criteria: ACMG Guidelines, 2015. Collection method: clinical testing. Allele origin: germline. Inheritance: Autosomal dominant inheritance.
Comment: Based on the classification scheme VCGS_Germline_v1.3.4, this variant is classified as Pathogenic. Following criteria are met: 0102 - Loss of function is a known mechanism of disease in this gene and is associated with tuberous sclerosis-2 (MIM#613254). (I) 0107 - This gene is associated with autosomal dominant disease. (I) 0115 - Variants in this gene are known to have variable expressivity. Clinical symptoms can vary among affected individuals within the same family (PMID: 31018109). (I) 0213 - In-frame insertion/deletion in a non-repetitive region that has high conservation. (SP) 0251 - This variant is heterozygous. (I) 0301 - Variant is absent from gnomAD (both v2 and v3). (SP) 0801 - This variant has strong previous evidence of pathogenicity in unrelated individuals. It has been reported as pathogenic and de novo in multiple individuals with tuberous sclerosis complex (ClinVar, PMID: 32313033). (SP) 1208 - Inheritance information for this variant is not currently available in this individual. (I) Legend: (SP) - Supporting pathogenic, (I) - Information, (SB) - Supporting benign

GeneDx
Classification: Pathogenic. Last evaluated: 2021-11-16. Review status: criteria provided, single submitter. Criteria: GeneDx Variant Classification Process June 2021. Collection method: clinical testing. Allele origin: germline. Affected: yes.
Comment: In-frame deletion of 6 amino acids in a non-repeat region; Published functional studies demonstrate a damaging effect, with decreased TSC2 and TSC1 expression and increased S6K phosphorylation (Hoogeveen-Westerveld 2011); Not observed in large population cohorts (gnomAD); In silico analysis, which includes protein predictors and evolutionary conservation, supports a deleterious effect; This variant is associated with the following publications: (PMID: 25782670, 5279523, 15121797, 30712878, 26540169, 26563443, 9829910, 22867869, 11112665, 15024740, 10607950, 12752578, 27406250, 29500070, 28397210, 28968464, 31370276, 31591157, 32313033, 32555378, 33942996, 32410215, 32320828, 32091432, 21309039)

Genome-Nilou Lab
Classification: Likely pathogenic for Tuberous sclerosis 2. Last evaluated: 2021-11-07. Review status: criteria provided, single submitter. Criteria: ACMG Guidelines, 2015. Collection method: clinical testing. Allele origin: germline. Affected: no.

Mayo Clinic Laboratories, Mayo Clinic
Classification: Pathogenic. Last evaluated: 2021-10-05. Review status: criteria provided, single submitter. Criteria: ACMG Guidelines, 2015. Collection method: clinical testing. Allele origin: germline.
Comment: PP4, PM2, PM4, PM6, PS3, PS4

Revvity Omics, Revvity
Classification: Pathogenic for Tuberous sclerosis 2. Last evaluated: 2021-01-25. Review status: criteria provided, single submitter. Criteria: ACMG Guidelines, 2015. Collection method: clinical testing. Allele origin: germline.

Clinical Molecular Genetics Laboratory, Johns Hopkins All Children's Hospital
Classification: Pathogenic for Tuberous sclerosis syndrome. Last evaluated: 2019-07-29. Review status: criteria provided, single submitter. Criteria: ACMG Guidelines, 2015. Collection method: clinical testing. Allele origin: germline. Inheritance: Autosomal dominant inheritance. Affected: yes. Observed: 1 heterozygote.

Neuberg Centre For Genomic Medicine, NCGM
Classification: Pathogenic for Tuberous sclerosis 2. Review status: criteria provided, single submitter. Criteria: ACMG Guidelines, 2015. Collection method: clinical testing. Allele origin: germline. Inheritance: Autosomal dominant inheritance. Affected: yes.
Comment: The inframe deletion variant c.5238_5255del (p.His1746_Arg1751del) in TSC2 gene has been reported previously in many individuals with tuberous sclerosis and found to be de novo in several sporadic cases (Rok et al. 2005). Experimental studies have shown that this variant decreases TSC2 expression and activity in vitro (Hoogeveen-Westerveld et al. 2011). The p.His1746_Arg1751del variant is novel (not in any individuals) in gnomAD Exomes and 1000 Genomes. This variant has been reported to the ClinVar database with conflicting interpretations of pathogenicity as Pathogenic/Likely Pathogenic. This p.His1746_Arg1751del causes deletion of amino acid Histidine at position 1746 and deletion of amino acid Arginine at position 1751. For these reasons, this variant has been classified as Pathogenic.

OMIM
Classification: Pathogenic for TUBEROUS SCLEROSIS 2. Last evaluated: 2003-05-01. Review status: no assertion criteria provided. Collection method: literature only. Allele origin: unknown. Not counted in ClinVar's aggregate classification.

Tuberous sclerosis database (TSC2)
No classification provided. Condition: TSC. Review status: no classification provided. Criteria: Tuberous Sclerosis Database Assertion Criteria 2015. Collection method: curation. Allele origin: germline. Affected: yes. Not counted in ClinVar's aggregate classification.

Tuberous sclerosis database (TSC2)
No classification provided. Condition: TSC; LAM. Review status: no classification provided. Criteria: Tuberous Sclerosis Database Assertion Criteria 2015. Collection method: curation. Allele origin: germline. Affected: yes. Not counted in ClinVar's aggregate classification.

Tuberous sclerosis database (TSC2)
No classification provided. Condition: TSC. Review status: flagged submission. Criteria: Tuberous Sclerosis Database Assertion Criteria 2015. Collection method: curation. Allele origin: germline. Affected: yes. Not counted in ClinVar's aggregate classification.
ClinVar note: Reason: This record appears to be redundant with a more recent record from the same submitter.
ClinVar note: Notes: SCV000066527 appears to be redundant with SCV000066961.

Literature cited by the submitters: PubMed 39110368 (cited by Myriad Genetics, Inc.); PubMed 29476190 (cited by Myriad Genetics, Inc.); PubMed 23389244 (cited by Myriad Genetics, Inc.); PubMed 32313033 (cited by 4 submitters); PubMed 32555378 (cited by Myriad Genetics, Inc.); PubMed 27406250 (cited by Myriad Genetics, Inc.); PubMed 21309039 (cited by 6 submitters); PubMed 9829910 (cited by 6 submitters); PubMed 10205261 (cited by 5 submitters); PubMed 11112665 (cited by 6 submitters); PubMed 15024740 (cited by Labcorp Genetics (formerly Invitae), Labcorp and Athena Diagnostics); PubMed 15874888 (cited by 3 submitters); PubMed 16114042 (cited by Labcorp Genetics (formerly Invitae), Labcorp and Athena Diagnostics); PubMed 21520333 (cited by Labcorp Genetics (formerly Invitae), Labcorp); PubMed 17304050 (cited by Ambry Genetics and Mayo Clinic Laboratories, Mayo Clinic); PubMed 28397210 (cited by Ambry Genetics); PubMed 28968464 (cited by 4 submitters); PubMed 22867869 (cited by Athena Diagnostics); PubMed 31591157 (cited by Medical Genetics Center, Maternal and Child Health Hospital of Hubei Province); PubMed 31370276 (cited by Medical Genetics Center, Maternal and Child Health Hospital of Hubei Province); PubMed 30712878 (cited by Medical Genetics Center, Maternal and Child Health Hospital of Hubei Province); PubMed 31018109 (cited by Victorian Clinical Genetics Services, Murdoch Childrens Research Institute); PubMed 16981987 (cited by Mayo Clinic Laboratories, Mayo Clinic); PubMed 32410215 (cited by Mayo Clinic Laboratories, Mayo Clinic); PubMed 12752578 (cited by OMIM); PubMed 5279523 (cited by OMIM).